The following is an entry in ClinVar:

NM_001034853.2(RPGR):c.297_306del (p.Leu100fs)

Gene: RPGR (retinitis pigmentosa GTPase regulator; minus strand). Cytogenetic location: Xp11.4.
Variant type: Deletion.
Coding change: c.297_306del on transcript NM_001034853.2 (MANE Select); coding-DNA positions 297 to 306, 10 bases deleted (CCTGGTGTCA; older notation c.297_306delCCTGGTGTCA).
Protein change: p.Leu100fs; shifts the reading frame from leucine 100.
Molecular consequence: frameshift variant. On other transcripts: non-coding transcript variant (6).
Genome position (GRCh38, 1-based): chrX:38,321,031-38,321,040, TGACACCAGG deleted on the plus strand (CCTGGTGTCA on the coding strand, the reverse complement: RPGR is on the minus strand). VCF-style (leftmost placement, unchanged base first): chrX-38321030-TTGACACCAGG-T. GRCh37 (hg19) VCF-style: chrX-38180283-TTGACACCAGG-T.
Other names: NM_001034853.2:c.297_306del; c.297_306del, p.Leu100fs (NM_000328.3, NM_001367245.1, NM_001367246.1 and 4 more transcripts); c.327_336del, p.Leu110fs (NM_001367248.1); short protein forms L100fs, L110fs.
Identifiers: ClinVar variation 4082165 (VCV004082165.1).
Genomic context (GRCh38, chrX:38,321,030, plus strand): 5'-GAATGAGACCTCAGTTCTCAAAGTCAGGCAGGAAATCATACAGGTTGAGCACTATACCTG[TTGACACCAGG>T]GTGTGGTTCCTTCCACAGGCAGCTAATTTCACTTTTTCAGGTTTTAGAGCTAAAAATATT-3'

ClinVar aggregate classification (germline): Likely pathogenic (3 of 4 stars; one submission).

Conditions:
RPGR-related retinopathy. Also called: RPGR retinopathy. Identifiers: MedGen CN305589, MONDO:0100437.

Submission:

ClinGen X-linked Inherited Retinal Disease Variant Curation Expert Panel, ClinGen
Classification: Likely pathogenic for RPGR-related retinopathy. Last evaluated: 2025-09-07. Review status: reviewed by expert panel. Criteria: ClinGen X LinkedIRD ACMG Specifications RPGR V1.0.0. Collection method: curation. Allele origin: germline. Inheritance: X-linked inheritance.
Comment: NM_001034853.2(RPGR):c.297_306del (p.Leu100GlnfsTer?) is a frameshift variant due to a 10-nucleotide deletion that introduces a premature stop codon after 30 amino acids within exon 4 of 15, which is predicted to trigger nonsense-mediated decay (PVS1). This variant is absent from gnomAD v4.1.0 (PM2_Supporting). This variant has been reported in at least 1 proband with a diagnosis of retinitis pigmentosa (PMID: 23372056), however, the number of individuals meeting one of the PS4 requirements of some functional vision impairment in an affected male by age 30 years, and/or decreased or absent cone and/or rod electroretinogram responses was fewer than the requirement of at least 2 unrelated probands, so PS4_Supporting was not met. In summary, this variant is classified as likely pathogenic for RPGR-related retinopathy based on the ClinGen X-linked Inherited Retinal Disease Expert Panel Specifications to the ACMG/AMP Variant Interpretation Guidelines for RPGR Version 1.0.0; PVS1 and PM2_Supporting.